The following is an entry in ClinVar:

ClinVar aggregate classification (germline): Uncertain significance (1 of 4 stars; one submission).

Allele frequency attached by ClinVar (database versions not stated): ExAC 0.00001; gnomAD 0.00001; gnomAD exomes 0.00001.
gnomAD v4.1: 5 of 1,614,032 alleles (0.00031%); highest among the groups gnomAD compares: Middle Eastern, 0.016%; no homozygotes.

Submission:

Labcorp Genetics (formerly Invitae), Labcorp
Classification: Uncertain significance. Last evaluated: 2025-11-04. Review status: criteria provided, single submitter. Criteria: Invitae Variant Classification Sherloc (09022015). Collection method: clinical testing. Allele origin: germline.
Comment: This sequence change replaces aspartic acid, which is acidic and polar, with asparagine, which is neutral and polar, at codon 520 of the BEST1 protein (p.Asp520Asn). This variant is present in population databases (rs61747600, gnomAD 0.006%). This variant has not been reported in the literature in individuals affected with BEST1-related conditions. ClinVar contains an entry for this variant (Variation ID: 838280). Invitae Evidence Modeling of protein sequence and biophysical properties (such as structural, functional, and spatial information, amino acid conservation, physicochemical variation, residue mobility, and thermodynamic stability) has been performed for this missense variant. However, the output from this modeling did not meet the statistical confidence thresholds required to predict the impact of this variant on BEST1 protein function. In summary, the available evidence is currently insufficient to determine the role of this variant in disease. Therefore, it has been classified as a Variant of Uncertain Significance.

NM_004183.4(BEST1):c.1558G>A (p.Asp520Asn)

Gene: BEST1 (bestrophin 1; plus strand). Cytogenetic location: 11q12.3.
Variant type: single nucleotide variant.
Coding change: c.1558G>A on transcript NM_004183.4 (MANE Select); coding-DNA position 1558, G replaced by A.
Protein change: p.Asp520Asn; replaces aspartic acid 520 with asparagine.
Molecular consequence: missense variant. On other transcripts: non-coding transcript variant (1).
Genome position (GRCh38, 1-based): chr11:61,962,712, G>A. VCF-style: chr11-61962712-G-A. GRCh37 (hg19) VCF-style: chr11-61730184-G-A.
Other names: c.1378G>A, p.Asp460Asn (NM_001139443.3, NM_001300787.2); c.1297G>A, p.Asp433Asn (NM_001300786.2); c.1240G>A, p.Asp414Asn (NM_001363591.3); c.*453G>A (NM_001363592.2); c.586G>A, p.Asp196Asn (NM_001363593.3); short protein forms D433N, D196N, D460N, D414N, D520N.
Identifiers: ClinVar variation 838280 (VCV000838280.9), dbSNP rs61747600, ClinGen allele CA6041081.